The following is an entry in ClinVar:

ClinVar aggregate classification (germline): Benign/Likely benign. Review status: criteria provided, multiple submitters, no conflicts (2 of 4 stars). 9 submissions from 9 submitters: Benign (4); Likely benign (2). 3 of the submissions do not count toward it. Last evaluated 2026-01-23.

Conditions:
Autoinflammatory syndrome. Identifiers: Orphanet 93665, MedGen C3890737, MONDO:0019751.
TNF receptor-associated periodic fever syndrome (TRAPS) (FPF). Also called: FAMILIAL HIBERNIAN FEVER; TNF RECEPTOR-ASSOCIATED PERIODIC SYNDROME; TUMOR NECROSIS FACTOR RECEPTOR-ASSOCIATED PERIODIC SYNDROME; TNF Receptor-Associated Periodic Fever Syndrome; Autosomal Dominant Familial Periodic Fever; TNF receptor 1-associated periodic fever syndrome. Identifiers: Orphanet 32960, MedGen C1275126, MONDO:0007727, OMIM 142680.

Allele frequency attached by ClinVar (database versions not stated): 1000 Genomes Project 0.00020; ESP Exome Variant Server 0.00023; gnomAD 0.00048 and 0.00050; gnomAD exomes 0.00057 and 0.00065; ExAC 0.00061; 1000 Genomes Project 30x 0.00062; TOPMed 0.00071.
gnomAD v4.1: 1,009 of 1,593,250 alleles (0.063%); highest among the groups gnomAD compares: Admixed American, 0.16%; no homozygotes.

Submissions (9):

Women's Health and Genetics/Laboratory Corporation of America, LabCorp
Classification: Benign. Last evaluated: 2026-01-23. Review status: criteria provided, single submitter. Criteria: LabCorp Variant Classification Summary - May 2015. Collection method: clinical testing. Allele origin: germline.

Labcorp Genetics (formerly Invitae), Labcorp
Classification: Benign for TNF receptor-associated periodic fever syndrome (TRAPS). Last evaluated: 2026-01-13. Review status: criteria provided, single submitter. Criteria: Invitae Variant Classification Sherloc (09022015). Collection method: clinical testing. Allele origin: germline.

ARUP Laboratories, Molecular Genetics and Genomics, ARUP Laboratories
Classification: Benign. Last evaluated: 2025-05-12. Review status: criteria provided, single submitter. Criteria: ARUP Molecular Germline Variant Investigation Process 2024. Collection method: clinical testing. Allele origin: germline.

Blueprint Genetics
Classification: Likely benign. Last evaluated: 2024-11-13. Review status: criteria provided, single submitter. Criteria: ACMG Guidelines, 2015. Collection method: clinical testing. Allele origin: germline.

Genome Diagnostics Laboratory, The Hospital for Sick Children
Classification: Likely benign for Autoinflammatory syndrome. Last evaluated: 2019-04-01. Review status: criteria provided, single submitter. Criteria: ACMG Guidelines, 2015. Collection method: clinical testing. Allele origin: germline. Affected: yes.

GeneDx
Classification: Benign. Last evaluated: 2012-04-24. Review status: criteria provided, single submitter. Criteria: GeneDx Variant Classification (06012015). Collection method: clinical testing. Allele origin: germline. Affected: yes.
Comment: This variant is considered likely benign or benign based on one or more of the following criteria: it is a conservative change, it occurs at a poorly conserved position in the protein, it is predicted to be benign by multiple in silico algorithms, and/or has population frequency not consistent with disease.

Clinical Genetics DNA and cytogenetics Diagnostics Lab, Erasmus MC, Erasmus Medical Center
Classification: Likely benign. Review status: no assertion criteria provided. Collection method: clinical testing. Allele origin: germline. Affected: yes. Study: VKGL Data-share Consensus. Not counted in ClinVar's aggregate classification.

Genome Diagnostics Laboratory, University Medical Center Utrecht
Classification: Likely benign. Review status: no assertion criteria provided. Collection method: clinical testing. Allele origin: germline. Affected: yes. Study: VKGL Data-share Consensus. Not counted in ClinVar's aggregate classification.

Unité médicale des maladies autoinflammatoires, CHRU Montpellier
No classification provided. Condition: TNF receptor-associated periodic fever syndrome (TRAPS). Review status: no classification provided. Collection method: not provided. Allele origin: unknown. Not counted in ClinVar's aggregate classification.

NM_001065.4(TNFRSF1A):c.1075C>T (p.Leu359=)

Gene: TNFRSF1A (TNF receptor superfamily member 1A; minus strand). Cytogenetic location: 12p13.31.
Variant type: single nucleotide variant.
Coding change: c.1075C>T on transcript NM_001065.4 (MANE Select); coding-DNA position 1075, C replaced by T.
Protein change: p.Leu359=; no amino-acid change (leucine 359 retained).
Molecular consequence: synonymous variant. On other transcripts: non-coding transcript variant (1).
Genome position (GRCh38, 1-based): chr12:6,329,605, G>A on the plus strand (C>T on the coding strand, the complement: TNFRSF1A is on the minus strand). VCF-style: chr12-6329605-G-A. GRCh37 (hg19) VCF-style: chr12-6438771-G-A.
Other names: p.L359L:CTG>TTG; c.751C>T, p.Leu251= (NM_001346091.2); c.616C>T, p.Leu206= (NM_001346092.2).
Identifiers: ClinVar variation 97422 (VCV000097422.18), dbSNP rs151344628, ClinGen allele CA280353.
Genomic context (GRCh38, chr12:6,329,605, plus strand): 5'-CTAGGCGCCGCACGAATTCCTTCCAGCGCAACGGGGGCACGTTCTCCACCACGGCGTACA[G>A]CGTCGCGGGGTCATCAGCTGCGGGGACGCGGGCCGGTGAGCCTCGGGCGGCAACCCCAGG-3'
Protein context (NP_001056.1, residues 349-369): QSLDTDDPAT[Leu359=]YAVVENVPPL